The following is an entry in ClinVar:

ClinVar aggregate classification (germline): Pathogenic (1 of 4 stars; one submission).

Conditions:
Wilson disease (WND). Also called: Wilson's disease. Identifiers: Orphanet 905, MedGen C0019202, MONDO:0010200, OMIM 277900. Disease mechanism: loss of function.

Submission:

Labcorp Genetics (formerly Invitae), Labcorp
Classification: Pathogenic for Wilson disease. Last evaluated: 2023-04-28. Review status: criteria provided, single submitter. Criteria: Invitae Variant Classification Sherloc (09022015). Collection method: clinical testing. Allele origin: germline.
Comment: For these reasons, this variant has been classified as Pathogenic. This variant has not been reported in the literature in individuals affected with ATP7B-related conditions. Information on the frequency of this variant in the gnomAD database is not available, as this variant may be reported differently in the database. This sequence change creates a premature translational stop signal (p.Gln826Hisfs*47) in the ATP7B gene. It is expected to result in an absent or disrupted protein product. Loss-of-function variants in ATP7B are known to be pathogenic (PMID: 10441329, 16283883).

Literature cited by the submitters: PubMed 10441329; PubMed 16283883.

NM_000053.4(ATP7B):c.2478_2479delinsT (p.Gln826fs)

Gene: ATP7B (ATPase copper transporting beta; minus strand). Cytogenetic location: 13q14.3.
Variant type: Indel.
Coding change: c.2478_2479delinsT on transcript NM_000053.4 (MANE Select); coding-DNA positions 2478 to 2479, GC replaced by T.
Protein change: p.Gln826fs; shifts the reading frame from glutamine 826.
Molecular consequence: frameshift variant.
Genome position (GRCh38, 1-based): chr13:51,950,368-51,950,369, GC replaced by A on the plus strand (GC replaced by T on the coding strand, the reverse complement: ATP7B is on the minus strand). VCF-style: chr13-51950368-GC-A. GRCh37 (hg19) VCF-style: chr13-52524504-GC-A.
Other names: c.1992_1993delinsT, p.Gln664fs (NM_001005918.3); c.2145_2146delinsT, p.Gln715fs (NM_001243182.2); c.2244_2245delinsT, p.Gln748fs (NM_001330578.2); c.2226_2227delinsT, p.Gln742fs (NM_001330579.2); short protein forms Q748fs, Q826fs, Q715fs, Q664fs, Q742fs.
Identifiers: ClinVar variation 526654 (VCV000526654.5), dbSNP rs1555288808, ClinGen allele CA658798149.
Genomic context (GRCh38, chr13:51,950,368, plus strand): 5'-CCAGGACTTTCCCATCCACTGGAAACTTTCCCCCAGGGACCACCTTGACGATATCGCCCC[GC>A]TGCACCAGCTCCATGGGGACTTGCTCCTCCCTGCAACAAACGCCACTTATCACTCACATG-3'